The following is an entry in ClinVar:

ClinVar aggregate classification (germline): Uncertain significance. Review status: criteria provided, multiple submitters, no conflicts (2 of 4 stars). 4 submissions from 4 submitters: Uncertain significance (4). Last evaluated 2025-12-24.

Conditions:
Emery-Dreifuss muscular dystrophy 4, autosomal dominant (EDMD4). Also called: EMERY-DREIFUSS MUSCULAR DYSTROPHY 4 WITH VARIABLE FEATURES. Identifiers: Orphanet 261, MedGen C2751807, MONDO:0013071, OMIM 612998.
Autosomal recessive ataxia, Beauce type. Also called: ATAXIA, RECESSIVE, OF BEAUCE; SYNE1-Related Autosomal Recessive Cerebellar Ataxia; SYNE1 Deficiency; Spinocerebellar ataxia, autosomal recessive 8. Identifiers: Orphanet 88644, MedGen C1853116, MONDO:0012549, OMIM 610743.
SYNE1-related disorder. Also called: SYNE1-related disease; SYNE1-related condition; SYNE1-related disorders.
Inborn genetic diseases. Identifiers: MedGen C0950123, MeSH D030342.

Allele frequency attached by ClinVar (database versions not stated): gnomAD exomes 0.00002 and 0.00004; gnomAD 0.00003 and 0.00005; ExAC 0.00004; TOPMed 0.00005; 1000 Genomes Project 30x 0.00016; 1000 Genomes Project 0.00020.
gnomAD v4.1: 71 of 1,613,866 alleles (0.0044%); highest among the groups gnomAD compares: South Asian, 0.0077%; no homozygotes.

Submissions (4):

PreventionGenetics, part of Exact Sciences
Classification: Uncertain significance for SYNE1-related condition. Last evaluated: 2025-12-24. Review status: criteria provided, single submitter. Criteria: ACMG Guidelines, 2015. Collection method: clinical testing. Allele origin: germline.
Comment: The SYNE1 c.24566C>T variant is predicted to result in the amino acid substitution p.Ser8189Leu. To our knowledge, this variant has not been reported in the literature. This variant is reported in 0.0062% of alleles in individuals of African descent in gnomAD. At this time, the clinical significance of this variant is uncertain due to the absence of conclusive functional and genetic evidence.

Labcorp Genetics (formerly Invitae), Labcorp
Classification: Uncertain significance for Emery-Dreifuss muscular dystrophy 4, autosomal dominant; Autosomal recessive ataxia, Beauce type. Last evaluated: 2025-01-27. Review status: criteria provided, single submitter. Criteria: Invitae Variant Classification Sherloc (09022015). Collection method: clinical testing. Allele origin: germline.
Comment: This sequence change replaces serine, which is neutral and polar, with leucine, which is neutral and non-polar, at codon 8189 of the SYNE1 protein (p.Ser8189Leu). This variant is present in population databases (rs188852595, gnomAD 0.007%). This variant has not been reported in the literature in individuals affected with SYNE1-related conditions. ClinVar contains an entry for this variant (Variation ID: 838625). An algorithm developed to predict the effect of missense changes on protein structure and function (PolyPhen-2) suggests that this variant is likely to be tolerated. In summary, the available evidence is currently insufficient to determine the role of this variant in disease. Therefore, it has been classified as a Variant of Uncertain Significance.

Ambry Genetics
Classification: Uncertain significance for Inborn genetic diseases. Last evaluated: 2021-11-12. Review status: criteria provided, single submitter. Criteria: Ambry Variant Classification Scheme 2023. Collection method: clinical testing. Allele origin: germline.

Revvity Omics, Revvity
Classification: Uncertain significance. Last evaluated: 2021-03-01. Review status: criteria provided, single submitter. Criteria: ACMG Guidelines, 2015. Collection method: clinical testing. Allele origin: germline.

NM_182961.4(SYNE1):c.24779C>T (p.Ser8260Leu)

Gene: SYNE1 (spectrin repeat containing nuclear envelope protein 1; minus strand). Cytogenetic location: 6q25.2.
Variant type: single nucleotide variant.
Coding change: c.24779C>T on transcript NM_182961.4 (MANE Select); coding-DNA position 24779, C replaced by T.
Protein change: p.Ser8260Leu; replaces serine 8260 with leucine.
Molecular consequence: missense variant.
Genome position (GRCh38, 1-based): chr6:152,148,242, G>A on the plus strand (C>T on the coding strand, the complement: SYNE1 is on the minus strand). VCF-style: chr6-152148242-G-A. GRCh37 (hg19) VCF-style: chr6-152469377-G-A.
Other names: c.1385C>T, p.Ser462Leu (NM_001347701.2); c.1244C>T, p.Ser415Leu (NM_001347702.2); c.24566C>T, p.Ser8189Leu (NM_033071.5); short protein forms S8260L, S415L, S8189L, S462L.
Identifiers: ClinVar variation 838625 (VCV000838625.14), dbSNP rs188852595, ClinGen allele CA4053077.
Genomic context (GRCh38, chr6:152,148,242, plus strand): 5'-GAGTCCACACTAGCCGGGGTGTCTCGTCCTGACCGCTCGCTCCGGAGGGGCTGAGCGAGC[G>A]AGAGGGAGAGATTGGAGGAAGGCTGTGGAGAAAGCAGGCTGTCTGCAGAGCGGTCGTGCC-3'
Protein context (NP_892006.3, residues 8250-8270): SPQPSSNLSL[Ser8260Leu]LAQPLRSERS